The following is an entry in ClinVar:

ClinVar aggregate classification (germline): Conflicting classifications of pathogenicity. Review status: criteria provided, conflicting classifications (1 of 4 stars). 3 submissions from 3 submitters: Uncertain significance (1); Likely benign (1). 1 of the submissions does not count toward it. Last evaluated 2025-01-13.

Conditions:
ABCB11-related disorder. Also called: ABCB11-related condition.

Allele frequency attached by ClinVar (database versions not stated): ExAC 0.00005; gnomAD exomes 0.00008; gnomAD 0.00012 and 0.00013; TOPMed 0.00013.
gnomAD v4.1: 84 of 1,613,508 alleles (0.0052%); highest among the groups gnomAD compares: Admixed American, 0.032%; no homozygotes.

Submissions (3):

Labcorp Genetics (formerly Invitae), Labcorp
Classification: Likely benign. Last evaluated: 2025-01-13. Review status: criteria provided, single submitter. Criteria: Invitae Variant Classification Sherloc (09022015). Collection method: clinical testing. Allele origin: germline.

Eurofins Ntd Llc (ga)
Classification: Uncertain significance. Last evaluated: 2017-10-20. Review status: criteria provided, single submitter. Criteria: EGL Classification Definitions 2015. Collection method: clinical testing. Allele origin: germline. Observed: 2 variant alleles, 2 heterozygotes.

PreventionGenetics, part of Exact Sciences
Classification: Likely benign for ABCB11-related condition. Last evaluated: 2024-05-03. Review status: no assertion criteria provided. Collection method: clinical testing. Allele origin: germline. Not counted in ClinVar's aggregate classification.
Comment: This variant is classified as likely benign based on ACMG/AMP sequence variant interpretation guidelines (Richards et al. 2015 PMID: 25741868, with internal and published modifications).

NM_003742.4(ABCB11):c.48G>A (p.Glu16=)

Gene: ABCB11 (ATP binding cassette subfamily B member 11; minus strand). Cytogenetic location: 2q31.1.
Variant type: single nucleotide variant.
Coding change: c.48G>A on transcript NM_003742.4 (MANE Select); coding-DNA position 48, G replaced by A.
Protein change: p.Glu16=; no amino-acid change (glutamic acid 16 retained).
Molecular consequence: synonymous variant.
Genome position (GRCh38, 1-based): chr2:169,018,078, C>T on the plus strand (G>A on the coding strand, the complement: ABCB11 is on the minus strand). VCF-style: chr2-169018078-C-T. GRCh37 (hg19) VCF-style: chr2-169874588-C-T.
Other names: c.48G>A, p.Glu16= (LRG_1199t1); c.48G>A (NM_003742.2).
Identifiers: ClinVar variation 594672 (VCV000594672.15), dbSNP rs768192083, ClinGen allele CA1952039.